The following is an entry in ClinVar:

ClinVar aggregate classification (germline): Uncertain significance. Review status: criteria provided, multiple submitters, no conflicts (2 of 4 stars). 2 submissions from 2 submitters: Uncertain significance (2). Last evaluated 2025-05-06.

Allele frequency attached by ClinVar (database versions not stated): gnomAD exomes 0.00004; gnomAD 0.00006; ExAC 0.00007; TOPMed 0.00007.
gnomAD v4.1: 65 of 1,612,298 alleles (0.004%); highest among the groups gnomAD compares: East Asian, 0.0067%; no homozygotes.

Submissions (2):

Labcorp Genetics (formerly Invitae), Labcorp
Classification: Uncertain significance. Last evaluated: 2025-05-06. Review status: criteria provided, single submitter. Criteria: Invitae Variant Classification Sherloc (09022015). Collection method: clinical testing. Allele origin: germline.
Comment: This sequence change replaces glutamic acid, which is acidic and polar, with lysine, which is basic and polar, at codon 77 of the GCKR protein (p.Glu77Lys). This variant is present in population databases (rs771795298, gnomAD 0.01%). This missense change has been observed in individual(s) with dyslipidemia (PMID: 36325899). ClinVar contains an entry for this variant (Variation ID: 2362197). Invitae Evidence Modeling of protein sequence and biophysical properties (such as structural, functional, and spatial information, amino acid conservation, physicochemical variation, residue mobility, and thermodynamic stability) indicates that this missense variant is not expected to disrupt GCKR protein function with a negative predictive value of 80%. In summary, the available evidence is currently insufficient to determine the role of this variant in disease. Therefore, it has been classified as a Variant of Uncertain Significance.

Ambry Genetics
Classification: Uncertain significance. Last evaluated: 2022-12-06. Review status: criteria provided, single submitter. Criteria: Ambry Variant Classification Scheme 2023. Collection method: clinical testing. Allele origin: germline.

Literature cited by the submitters: PubMed 36325899 (cited by Labcorp Genetics (formerly Invitae), Labcorp).

NM_001486.4(GCKR):c.229G>A (p.Glu77Lys)

Gene: GCKR (glucokinase regulator; plus strand). Cytogenetic location: 2p23.3.
Variant type: single nucleotide variant.
Coding change: c.229G>A on transcript NM_001486.4 (MANE Select); coding-DNA position 229, G replaced by A.
Protein change: p.Glu77Lys; replaces glutamic acid 77 with lysine.
Molecular consequence: missense variant.
Genome position (GRCh38, 1-based): chr2:27,497,574, G>A. VCF-style: chr2-27497574-G-A. GRCh37 (hg19) VCF-style: chr2-27720441-G-A.
Other names: short protein forms E77K.
Identifiers: ClinVar variation 2362197 (VCV002362197.3), dbSNP rs771795298, ClinGen allele CA1581474.